The following is an entry in ClinVar:

ClinVar aggregate classification (germline): Benign/Likely benign. Review status: criteria provided, multiple submitters, no conflicts (2 of 4 stars). 8 submissions from 8 submitters: Benign (2); Likely benign (4). 2 of the submissions do not count toward it. Last evaluated 2024-11-27.

Conditions:
Kidney disorder. Also called: renal disorder; Nephropathy; Kidney disease; Kidney Diseases; renal disease. Identifiers: MedGen C0022658, MONDO:0005240, HP:0000112.
Focal segmental glomerulosclerosis 2 (FSGS2). Identifiers: Orphanet 656, MedGen C1858915, MONDO:0011390, OMIM 603965.

Allele frequency attached by ClinVar (database versions not stated): 1000 Genomes Project 30x 0.00453; 1000 Genomes Project 0.00499; ExAC 0.00941; gnomAD exomes 0.01054 and 0.01676; TOPMed 0.01144; gnomAD 0.01276.
gnomAD v4.1: 23,661 of 1,466,182 alleles (1.6%); highest among the groups gnomAD compares: Non-Finnish European, 1.9%; 252 homozygotes.

Submissions (8):

Blueprint Genetics
Classification: Likely benign. Last evaluated: 2024-11-27. Review status: criteria provided, single submitter. Criteria: ACMG Guidelines, 2015. Collection method: clinical testing. Allele origin: germline.

Mayo Clinic Laboratories, Mayo Clinic
Classification: Benign. Last evaluated: 2023-08-08. Review status: criteria provided, single submitter. Criteria: ACMG Guidelines, 2015. Collection method: clinical testing. Allele origin: germline. Observed: 2 variant alleles.
Comment: BS1, BS2

Genome Diagnostics Laboratory, The Hospital for Sick Children
Classification: Likely benign for Kidney disorder. Last evaluated: 2021-08-30. Review status: criteria provided, single submitter. Criteria: ACMG Guidelines, 2015. Collection method: clinical testing. Allele origin: germline.

GeneDx
Classification: Likely benign. Last evaluated: 2020-02-25. Review status: criteria provided, single submitter. Criteria: GeneDx Variant Classification Process June 2021. Collection method: clinical testing. Allele origin: germline. Affected: yes.

Illumina Laboratory Services, Illumina
Classification: Benign for Focal segmental glomerulosclerosis 2. Last evaluated: 2018-01-12. Review status: criteria provided, single submitter. Criteria: ICSL Variant Classification Criteria 13 December 2019. Collection method: clinical testing. Allele origin: germline.
Comment: This variant was observed in the ICSL laboratory as part of a predisposition screen in an ostensibly healthy population. It had not been previously curated by ICSL or reported in the Human Gene Mutation Database (HGMD: prior to June 1st, 2018), and was therefore a candidate for classification through an automated scoring system. Utilizing variant allele frequency, disease prevalence and penetrance estimates, and inheritance mode, an automated score was calculated to assess if this variant is too frequent to cause the disease. Based on the score and internal cut-off values, a variant classified as benign is not then subjected to further curation. The score for this variant resulted in a classification of benign for this disease.

Breakthrough Genomics
Classification: Likely benign. Review status: criteria provided, single submitter. Criteria: ACMG Guidelines, 2015. Collection method: not provided. Allele origin: germline. Inheritance: Autosomal dominant inheritance. Affected: yes.

Genome Diagnostics Laboratory, University Medical Center Utrecht
Classification: Benign. Review status: no assertion criteria provided. Collection method: clinical testing. Allele origin: germline. Affected: yes. Study: VKGL Data-share Consensus. Not counted in ClinVar's aggregate classification.

Joint Genome Diagnostic Labs from Nijmegen and Maastricht, Radboudumc and MUMC+
Classification: Benign. Review status: no assertion criteria provided. Collection method: clinical testing. Allele origin: germline. Affected: yes. Study: VKGL Data-share Consensus. Not counted in ClinVar's aggregate classification.

NM_004621.6(TRPC6):c.-10C>A

Gene: TRPC6 (transient receptor potential cation channel subfamily C member 6; minus strand). Cytogenetic location: 11q22.1.
Variant type: single nucleotide variant.
Coding change: c.-10C>A on transcript NM_004621.6 (MANE Select); 10 bases upstream of the start codon, C replaced by A.
Molecular consequence: 5 prime UTR variant.
Genome position (GRCh38, 1-based): chr11:101,583,513, G>T on the plus strand (C>A on the coding strand, the complement: TRPC6 is on the minus strand). VCF-style: chr11-101583513-G-T. GRCh37 (hg19) VCF-style: chr11-101454244-G-T.
Identifiers: ClinVar variation 301914 (VCV000301914.14), dbSNP rs191383391, ClinGen allele CA6244650.